The following is an entry in ClinVar:

ClinVar aggregate classification (germline): Uncertain significance. Review status: criteria provided, multiple submitters, no conflicts (2 of 4 stars). 3 submissions from 3 submitters: Uncertain significance (3). Last evaluated 2025-09-20.

Conditions:
Familial thoracic aortic aneurysm and aortic dissection (TAAD). Also called: Thoracic aortic aneurysms and dissections. Identifiers: Orphanet 91387, MedGen C4707243, MONDO:0019625.
Marfan syndrome (MFS). Also called: Marfan syndrome, classic; Marfan syndrome type 1; Marfan's syndrome; MARFAN SYNDROME, TYPE I; FBN1-Related Marfan Syndrome. Identifiers: Orphanet 284963, Orphanet 558, MedGen C0024796, MONDO:0007947, OMIM 154700.

Submissions (3):

Labcorp Genetics (formerly Invitae), Labcorp
Classification: Uncertain significance for Marfan syndrome; Familial thoracic aortic aneurysm and aortic dissection. Last evaluated: 2025-09-20. Review status: criteria provided, single submitter. Criteria: Invitae Variant Classification Sherloc (09022015). Collection method: clinical testing. Allele origin: germline.
Comment: This sequence change replaces tyrosine, which is neutral and polar, with cysteine, which is neutral and slightly polar, at codon 2314 of the FBN1 protein (p.Tyr2314Cys). This variant is not present in population databases (gnomAD no frequency). This variant has not been reported in the literature in individuals affected with FBN1-related conditions. ClinVar contains an entry for this variant (Variation ID: 373268). Invitae Evidence Modeling of protein sequence and biophysical properties (such as structural, functional, and spatial information, amino acid conservation, physicochemical variation, residue mobility, and thermodynamic stability) indicates that this missense variant is expected to disrupt FBN1 protein function with a positive predictive value of 95%. In summary, the available evidence is currently insufficient to determine the role of this variant in disease. Therefore, it has been classified as a Variant of Uncertain Significance.

Ambry Genetics
Classification: Uncertain significance for Familial thoracic aortic aneurysm and aortic dissection. Last evaluated: 2024-10-02. Review status: criteria provided, single submitter. Criteria: Ambry Variant Classification Scheme 2023. Collection method: clinical testing. Allele origin: germline.
Comment: The p.Y2314C variant (also known as c.6941A>G), located in coding exon 56 of the FBN1 gene, results from an A to G substitution at nucleotide position 6941. The tyrosine at codon 2314 is replaced by cysteine, an amino acid with highly dissimilar properties. This variant alters a conserved residue in the calcium-binding consensus sequence of a cbEGF domain and is expected to disrupt FBN1 function (Handford PA et al. Nature. 1991; 351(6322):164-7). This amino acid position is well conserved in available vertebrate species. In addition, this alteration is predicted to be deleterious by in silico analysis. Based on the available evidence, the clinical significance of this variant remains unclear.

GeneDx
Classification: Uncertain significance. Last evaluated: 2016-11-21. Review status: criteria provided, single submitter. Criteria: GeneDx Variant Classification (06012015). Collection method: clinical testing. Allele origin: germline. Affected: yes.
Comment: The Y2314C novel variant of uncertain significance in the FBN1 gene has not been published as a pathogenic or benign variant to our knowledge. This variant was not observed in approximately 6,500 individuals of European and African American ancestry in the NHLBI Exome Sequencing Project or in the Exome Aggregation Consortium, indicating it is not a common benign variant in these populations. The Y2314C variant is a non-conservative amino acid substitution that occurs at a position conserved through mammals. Furthermore, the Y2314C variant introduces a new Cysteine residue within a calcium-binding EGF-like domain of the FBN1gene, which may affect disulfide bonding and is predicted to alter the structure and function of the protein. Cysteine substitutions in the calciumbinding EGF-like domains represent the majority of pathogenic missense changes associated with FBN1-related syndromes (Collod-Beroud et al., 2003). In silico analysis predicts this variant is probably damaging to the protein structure/function. Therefore, additional evidence is needed to determine whether this variant is pathogenic or benign.

NM_000138.5(FBN1):c.6941A>G (p.Tyr2314Cys)

Gene: FBN1 (fibrillin 1; minus strand). Cytogenetic location: 15q21.1.
Variant type: single nucleotide variant.
Coding change: c.6941A>G on transcript NM_000138.5 (MANE Select); coding-DNA position 6941, A replaced by G.
Protein change: p.Tyr2314Cys; replaces tyrosine 2314 with cysteine.
Molecular consequence: missense variant.
Genome position (GRCh38, 1-based): chr15:48,428,402, T>C on the plus strand (A>G on the coding strand, the complement: FBN1 is on the minus strand). VCF-style: chr15-48428402-T-C. GRCh37 (hg19) VCF-style: chr15-48720599-T-C.
Other names: short protein forms Y2314C.
Identifiers: ClinVar variation 373268 (VCV000373268.3), dbSNP rs1057518316, ClinGen allele CA16042940.